The following is an entry in ClinVar:

ClinVar aggregate classification (germline): Uncertain significance (1 of 4 stars; one submission).

Allele frequency attached by ClinVar (database versions not stated): gnomAD exomes below 0.00001; gnomAD 0.00001.
gnomAD v4.1: 6 of 1,614,080 alleles (0.00037%); highest among the groups gnomAD compares: South Asian, 0.0066%; no homozygotes.

Submission:

Labcorp Genetics (formerly Invitae), Labcorp
Classification: Uncertain significance. Last evaluated: 2023-07-05. Review status: criteria provided, single submitter. Criteria: Invitae Variant Classification Sherloc (09022015). Collection method: clinical testing. Allele origin: germline.
Comment: This sequence change replaces aspartic acid, which is acidic and polar, with asparagine, which is neutral and polar, at codon 526 of the HYOU1 protein (p.Asp526Asn). This variant is not present in population databases (gnomAD no frequency). This variant has not been reported in the literature in individuals affected with HYOU1-related conditions. An algorithm developed to predict the effect of missense changes on protein structure and function (PolyPhen-2) suggests that this variant is likely to be tolerated. In summary, the available evidence is currently insufficient to determine the role of this variant in disease. Therefore, it has been classified as a Variant of Uncertain Significance.

NM_006389.5(HYOU1):c.1576G>A (p.Asp526Asn)

Gene: HYOU1 (hypoxia up-regulated 1; minus strand). Cytogenetic location: 11q23.3.
Variant type: single nucleotide variant.
Coding change: c.1576G>A on transcript NM_006389.5 (MANE Select); coding-DNA position 1576, G replaced by A.
Protein change: p.Asp526Asn; replaces aspartic acid 526 with asparagine.
Molecular consequence: missense variant.
Genome position (GRCh38, 1-based): chr11:119,051,124, C>T on the plus strand (G>A on the coding strand, the complement: HYOU1 is on the minus strand). VCF-style: chr11-119051124-C-T. GRCh37 (hg19) VCF-style: chr11-118921836-C-T.
Other names: c.1576G>A, p.Asp526Asn (NM_001130991.3, NM_001411041.1); short protein forms D526N.
Identifiers: ClinVar variation 2769976 (VCV002769976.3), dbSNP rs1944412694, ClinGen allele CA382936933.